The following is an entry in ClinVar:

NM_004484.4(GPC3):c.1675C>T (p.His559Tyr)

Gene: GPC3 (glypican 3; minus strand). Cytogenetic location: Xq26.2.
Variant type: single nucleotide variant.
Coding change: c.1675C>T on transcript NM_004484.4 (MANE Select); coding-DNA position 1675, C replaced by T.
Protein change: p.His559Tyr; replaces histidine 559 with tyrosine.
Molecular consequence: missense variant.
Genome position (GRCh38, 1-based): chrX:133,536,192, G>A on the plus strand (C>T on the coding strand, the complement: GPC3 is on the minus strand). VCF-style: chrX-133536192-G-A. GRCh37 (hg19) VCF-style: chrX-132670220-G-A.
Other names: c.1744C>T, p.His582Tyr (NM_001164617.2); c.1627C>T, p.His543Tyr (NM_001164618.2); c.1513C>T, p.His505Tyr (NM_001164619.2); short protein forms H505Y, H559Y, H543Y, H582Y.
Identifiers: ClinVar variation 2141906 (VCV002141906.4), dbSNP rs2520462991, ClinGen allele CA414702591.

ClinVar aggregate classification (germline): Uncertain significance (1 of 4 stars; one submission).

Conditions:
Wilms tumor 1 (WT1). Also called: Wilms tumor, somatic. Identifiers: Orphanet 654, MedGen CN033288, MONDO:0008679, OMIM 194070.

Submission:

Labcorp Genetics (formerly Invitae), Labcorp
Classification: Uncertain significance for Wilms tumor 1. Last evaluated: 2022-07-06. Review status: criteria provided, single submitter. Criteria: Invitae Variant Classification Sherloc (09022015). Collection method: clinical testing. Allele origin: germline.
Comment: This sequence change replaces histidine, which is basic and polar, with tyrosine, which is neutral and polar, at codon 559 of the GPC3 protein (p.His559Tyr). This variant is not present in population databases (gnomAD no frequency). This variant has not been reported in the literature in individuals affected with GPC3-related conditions. Algorithms developed to predict the effect of missense changes on protein structure and function (SIFT, PolyPhen-2, Align-GVGD) all suggest that this variant is likely to be tolerated. In summary, the available evidence is currently insufficient to determine the role of this variant in disease. Therefore, it has been classified as a Variant of Uncertain Significance.